The following is an entry in ClinVar:

ClinVar aggregate classification (germline): Pathogenic (1 of 4 stars; one submission).

Conditions:
Alstrom syndrome (ALMS). Identifiers: Orphanet 64, MedGen C0268425, MONDO:0008763, OMIM 203800.

Submission:

Labcorp Genetics (formerly Invitae), Labcorp
Classification: Pathogenic for Alstrom syndrome. Last evaluated: 2022-05-04. Review status: criteria provided, single submitter. Criteria: Invitae Variant Classification Sherloc (09022015). Collection method: clinical testing. Allele origin: germline.
Comment: This variant has not been reported in the literature in individuals affected with ALMS1-related conditions. This variant is not present in population databases (gnomAD no frequency). For these reasons, this variant has been classified as Pathogenic. This sequence change creates a premature translational stop signal (p.Gly2181*) in the ALMS1 gene. It is expected to result in an absent or disrupted protein product. Loss-of-function variants in ALMS1 are known to be pathogenic (PMID: 17594715).

Literature cited by the submitters: PubMed 17594715.

NM_001378454.1(ALMS1):c.6538G>T (p.Gly2180Ter)

Gene: ALMS1 (ALMS1 centrosome and basal body associated protein; plus strand). Cytogenetic location: 2p13.1.
Variant type: single nucleotide variant.
Coding change: c.6538G>T on transcript NM_001378454.1 (MANE Select); coding-DNA position 6538, G replaced by T.
Protein change: p.Gly2180Ter; replaces glycine 2180 with a stop codon.
Molecular consequence: nonsense.
Genome position (GRCh38, 1-based): chr2:73,453,065, G>T. VCF-style: chr2-73453065-G-T. GRCh37 (hg19) VCF-style: chr2-73680192-G-T.
Other names: c.6541G>T, p.Gly2181Ter (NM_015120.4); short protein forms G2180*, G2181*.
Identifiers: ClinVar variation 2133447 (VCV002133447.4), dbSNP rs145953016, ClinGen allele CA347288471.